The following is an entry in ClinVar:

NM_022173.4(TIA1):c.170G>T (p.Arg57Leu)

Gene: TIA1 (TIA1 cytotoxic granule associated RNA binding protein; minus strand). Cytogenetic location: 2p13.3.
Variant type: single nucleotide variant.
Coding change: c.170G>T on transcript NM_022173.4 (MANE Select); coding-DNA position 170, G replaced by T.
Protein change: p.Arg57Leu; replaces arginine 57 with leucine.
Molecular consequence: missense variant. On other transcripts: 5 prime UTR variant (6), non-coding transcript variant (17).
Genome position (GRCh38, 1-based): chr2:70,230,808, C>A on the plus strand (G>T on the coding strand, the complement: TIA1 is on the minus strand). VCF-style: chr2-70230808-C-A. GRCh37 (hg19) VCF-style: chr2-70457940-C-A.
Other names: c.170G>T, p.Arg57Leu (NM_001351508.2, NM_001351510.2, NM_001351516.2 and 5 more transcripts); c.176G>T, p.Arg59Leu (NM_001351509.2, NM_001351520.2); c.59G>T, p.Arg20Leu (NM_001351511.1, NM_001351513.1); c.65G>T, p.Arg22Leu (NM_001351512.1); c.-26G>T (NM_001351514.2, NM_001351523.2); c.-220G>T (NM_001351515.2); c.-469G>T (NM_001351517.2); c.-246G>T (NM_001351524.2); and 1 more; short protein forms R59L, R20L, R22L, R57L.
Identifiers: ClinVar variation 4738326 (VCV004738326.1).

ClinVar aggregate classification (germline): Uncertain significance (1 of 4 stars; one submission).

Conditions:
Welander distal myopathy (WDM). Also called: MUSCULAR DYSTROPHY, DISTAL, LATE-ONSET, AUTOSOMAL DOMINANT; Gower's muscular dystrophy; Welander distal myopathy, Swedish type; Distal myopathy, Swedish type. Identifiers: Orphanet 603, MedGen C0221054, MONDO:0011466, OMIM 604454.

Submission:

Labcorp Genetics (formerly Invitae), Labcorp
Classification: Uncertain significance for Welander distal myopathy. Last evaluated: 2025-02-02. Review status: criteria provided, single submitter. Criteria: Invitae Variant Classification Sherloc (09022015). Collection method: clinical testing. Allele origin: germline.
Comment: This sequence change replaces arginine, which is basic and polar, with leucine, which is neutral and non-polar, at codon 57 of the TIA1 protein (p.Arg57Leu). This variant is not present in population databases (gnomAD no frequency). This variant has not been reported in the literature in individuals affected with TIA1-related conditions. Invitae Evidence Modeling of protein sequence and biophysical properties (such as structural, functional, and spatial information, amino acid conservation, physicochemical variation, residue mobility, and thermodynamic stability) indicates that this missense variant is not expected to disrupt TIA1 protein function with a negative predictive value of 80%. In summary, the available evidence is currently insufficient to determine the role of this variant in disease. Therefore, it has been classified as a Variant of Uncertain Significance.